The following is an entry in ClinVar:

ClinVar aggregate classification (germline): Uncertain significance (1 of 4 stars; one submission).

Allele frequency attached by ClinVar (database versions not stated): TOPMed below 0.00001; gnomAD 0.00001; gnomAD exomes 0.00001; ExAC 0.00003.
gnomAD v4.1: 7 of 1,613,704 alleles (0.00043%); highest among the groups gnomAD compares: Non-Finnish European, 0.00059%; no homozygotes.

Submission:

Labcorp Genetics (formerly Invitae), Labcorp
Classification: Uncertain significance. Last evaluated: 2022-11-22. Review status: criteria provided, single submitter. Criteria: Invitae Variant Classification Sherloc (09022015). Collection method: clinical testing. Allele origin: germline.
Comment: In summary, the available evidence is currently insufficient to determine the role of this variant in disease. Therefore, it has been classified as a Variant of Uncertain Significance. Algorithms developed to predict the effect of missense changes on protein structure and function (SIFT, PolyPhen-2, Align-GVGD) all suggest that this variant is likely to be tolerated. This variant has not been reported in the literature in individuals affected with WHRN-related conditions. This variant is present in population databases (rs761102076, gnomAD 0.004%). This sequence change replaces proline, which is neutral and non-polar, with serine, which is neutral and polar, at codon 646 of the WHRN protein (p.Pro646Ser).

NM_015404.4(WHRN):c.1936C>T (p.Pro646Ser)

Gene: WHRN (whirlin; minus strand). Cytogenetic location: 9q32.
Variant type: single nucleotide variant.
Coding change: c.1936C>T on transcript NM_015404.4 (MANE Select); coding-DNA position 1936, C replaced by T.
Protein change: p.Pro646Ser; replaces proline 646 with serine.
Molecular consequence: missense variant.
Genome position (GRCh38, 1-based): chr9:114,406,655, G>A on the plus strand (C>T on the coding strand, the complement: WHRN is on the minus strand). VCF-style: chr9-114406655-G-A. GRCh37 (hg19) VCF-style: chr9-117168935-G-A.
Other names: c.787C>T, p.Pro263Ser (NM_001083885.3); c.1936C>T, p.Pro646Ser (NM_001173425.2); c.883C>T, p.Pro295Ser (NM_001346890.1); short protein forms P295S, P263S, P646S.
Identifiers: ClinVar variation 2008463 (VCV002008463.4), dbSNP rs761102076, ClinGen allele CA5205778.
Genomic context (GRCh38, chr9:114,406,655, plus strand): 5'-CCAGCGGCCTCTTGGAGCTGGGGTTGGCAGGGGAGACGGAGGCATAGATGGGGGAAGAGG[G>A]CAAGTCCTGTGCAGAGGAGGTCCCTGGGGTGGGTGCGGTGCCCGCTGGCGGGCTGCGGTT-3'
Protein context (NP_056219.3, residues 636-656): TPGTSSAQDL[Pro646Ser]SSPIYASVSP